The following is an entry in ClinVar:

NM_001379451.1(BCORL1):c.2597T>C (p.Val866Ala)

Gene: BCORL1 (BCL6 corepressor like 1; plus strand). Cytogenetic location: Xq26.1.
Variant type: single nucleotide variant.
Coding change: c.2597T>C on transcript NM_001379451.1 (MANE Select); coding-DNA position 2597, T replaced by C.
Protein change: p.Val866Ala; replaces valine 866 with alanine.
Molecular consequence: missense variant.
Genome position (GRCh38, 1-based): chrX:130,015,369, T>C. VCF-style: chrX-130015369-T-C. GRCh37 (hg19) VCF-style: chrX-129149345-T-C.
Other names: c.2597T>C, p.Val866Ala (NM_001184772.3, NM_001379450.1, NM_021946.5); short protein forms V866A.
Identifiers: ClinVar variation 1710356 (VCV001710356.4), dbSNP rs2522677617, ClinGen allele CA414591944.
Genomic context (GRCh38, chrX:130,015,369, plus strand): 5'-TTTCCAGTGCCGGGCAGCTGACCCCCAGTCAGGGGGCGCCCATCAGGCCCACCAGCGTTG[T>C]TTCGGAGTTTTCTGGTGTGCCATCTCTCAGCTCCAGCGAAGCCGTGCACGGACTTCCTGA-3'
Protein context (NP_001366380.1, residues 856-876): QGAPIRPTSV[Val866Ala]SEFSGVPSLS

ClinVar aggregate classification (germline): Uncertain significance. Review status: criteria provided, multiple submitters, no conflicts (2 of 4 stars). 2 submissions from 2 submitters: Uncertain significance (2). Last evaluated 2025-02-20.

Submissions (2):

Ambry Genetics
Classification: Uncertain significance. Last evaluated: 2025-02-20. Review status: criteria provided, single submitter. Criteria: Ambry Variant Classification Scheme 2023. Collection method: clinical testing. Allele origin: germline.

Greenwood Genetic Center Diagnostic Laboratories, Greenwood Genetic Center
Classification: Uncertain significance. Last evaluated: 2022-08-17. Review status: criteria provided, single submitter. Criteria: ACMG Guidelines, 2015. Collection method: clinical testing. Allele origin: germline. Affected: yes.
Comment: PM2